The following is an entry in ClinVar:

NR_001564.3(XIST):n.2287A>T

Gene: XIST (X inactive specific transcript; minus strand). Cytogenetic location: Xq13.2.
Variant type: single nucleotide variant.
Genome position: GRCh38 VCF-style: chrX-73850428-T-A. GRCh37 (hg19) VCF-style: chrX-73070263-T-A.
Identifiers: ClinVar variation 3038232 (VCV003038232.3), dbSNP rs765820028, ClinGen allele CA10453762.
Genomic context (GRCh38, chrX:73,850,428, plus strand): 5'-AGTGAATTCTACAAATAAAGCCTCTTAATACATTTCTATAATAGTCACTTAAGACTTAAA[T>A]TCAAACACTAGCAAACCACAAAATCAGACTGTATGACTGACATCCAAAAGATAAATATAA-3'

ClinVar aggregate classification (germline): Likely benign. Review status: criteria provided, single submitter (1 of 4 stars). 2 submissions from 2 submitters: Likely benign (1). 1 of the submissions does not count toward it.

Conditions:
XIST-related disorder. Also called: XIST-related condition.

Allele frequency attached by ClinVar (database versions not stated): gnomAD exomes 0.00011; ExAC 0.00030; gnomAD 0.00083; TOPMed 0.00088.
gnomAD v4.1: 138 of 539,891 alleles (0.026%); highest among the groups gnomAD compares: African/African-American, 0.28%; no homozygotes.

Submissions (2):

Breakthrough Genomics
Classification: Likely benign. Review status: criteria provided, single submitter. Criteria: ACMG Guidelines, 2015. Collection method: not provided. Allele origin: germline. Inheritance: Unknown mechanism. Affected: yes.

PreventionGenetics, part of Exact Sciences
Classification: Likely benign for XIST-related condition. Last evaluated: 2022-04-20. Review status: no assertion criteria provided. Collection method: clinical testing. Allele origin: germline. Not counted in ClinVar's aggregate classification.
Comment: This variant is classified as likely benign based on ACMG/AMP sequence variant interpretation guidelines (Richards et al. 2015 PMID: 25741868, with internal and published modifications).